The following is an entry in ClinVar:

NM_016175.4(MRNIP):c.690G>A (p.Ala230=)

Genes: MRNIP (MRN complex interacting protein; minus strand), SQSTM1 (sequestosome 1; plus strand). Cytogenetic location: 5q35.3.
Variant type: single nucleotide variant.
Coding change: c.690G>A on transcript NM_016175.4 (MANE Select); coding-DNA position 690, G replaced by A.
Protein change: p.Ala230=; no amino-acid change (alanine 230 retained).
Molecular consequence: synonymous variant. On other transcripts: 3 prime UTR variant (3).
Genome position (GRCh38, 1-based): chr5:179,837,733, C>T on the plus strand (G>A on the coding strand, the complement: MRNIP is on the minus strand). VCF-style: chr5-179837733-C-T. GRCh37 (hg19) VCF-style: chr5-179264733-C-T.
Other names: c.*1140C>T (NM_003900.5, NM_001142298.2, NM_001142299.2); c.525G>A, p.Ala175= (NM_001017987.3).
Identifiers: ClinVar variation 2656138 (VCV002656138.24), dbSNP rs774468810, ClinGen allele CA3601069.

ClinVar aggregate classification (germline): Likely benign (1 of 4 stars; one submission).

Allele frequency attached by ClinVar (database versions not stated): gnomAD 0.00001; gnomAD exomes 0.00001; ExAC 0.00002; TOPMed 0.00002.
gnomAD v4.1: 13 of 1,614,128 alleles (0.00081%); highest among the groups gnomAD compares: Middle Eastern, 0.016%; no homozygotes.

Submission:

CeGaT Center for Human Genetics Tuebingen
Classification: Likely benign. Last evaluated: 2023-04-01. Review status: criteria provided, single submitter. Criteria: CeGaT Center For Human Genetics Tuebingen Variant Classification Criteria Version 2. Collection method: clinical testing. Allele origin: germline. Affected: yes. Observed: 1 variant allele.
Comment: MRNIP: BP4, BP7